The following is an entry in ClinVar:

ClinVar aggregate classification (germline): Uncertain significance (1 of 4 stars; one submission).

Conditions:
Long QT syndrome 1 (LQT1). Identifiers: Orphanet 101016, Orphanet 768, MedGen C4551647, MONDO:0100316, OMIM 192500, MONDO:0008646.

Submission:

Labcorp Genetics (formerly Invitae), Labcorp
Classification: Uncertain significance for Long QT syndrome 1. Last evaluated: 2025-12-12. Review status: criteria provided, single submitter. Criteria: Invitae Variant Classification Sherloc (09022015). Collection method: clinical testing. Allele origin: germline.
Comment: This sequence change replaces lysine, which is basic and polar, with glutamic acid, which is acidic and polar, at codon 31 of the CALM2 protein (p.Lys31Glu). This variant is not present in population databases (gnomAD no frequency). This variant has not been reported in the literature in individuals affected with CALM2-related conditions. An algorithm developed to predict the effect of missense changes on protein structure and function (PolyPhen-2) suggests that this variant is likely to be tolerated. In summary, the available evidence is currently insufficient to determine the role of this variant in disease. Therefore, it has been classified as a Variant of Uncertain Significance.

NM_001743.6(CALM2):c.91A>G (p.Lys31Glu)

Gene: CALM2 (calmodulin 2; minus strand). Cytogenetic location: 2p21.
Variant type: single nucleotide variant.
Coding change: c.91A>G on transcript NM_001743.6 (MANE Select); coding-DNA position 91, A replaced by G.
Protein change: p.Lys31Glu; replaces lysine 31 with glutamic acid.
Molecular consequence: missense variant. On other transcripts: 5 prime UTR variant (2).
Genome position (GRCh38, 1-based): chr2:47,162,606, T>C on the plus strand (A>G on the coding strand, the complement: CALM2 is on the minus strand). VCF-style: chr2-47162606-T-C. GRCh37 (hg19) VCF-style: chr2-47389745-T-C.
Other names: c.235A>G, p.Lys79Glu (NM_001305624.1); c.-18A>G (NM_001305625.2, NM_001305626.1); short protein forms K79E, K31E.
Identifiers: ClinVar variation 4733040 (VCV004733040.1).
Genomic context (GRCh38, chr2:47,162,606, plus strand): 5'-CCTGTAACTCTGCTTCTGTGGGATTCTGCCCAAGAGATCTCATTACAGTTCCCAATTCCT[T>C]TGTTGTTATAGTTCCATCACCATCTTTGTCAAATAGTGAAAAAGCTTCTTTGAATTCTGT-3'
Protein context (NP_001734.1, residues 21-41): DKDGDGTITT[Lys31Glu]ELGTVMRSLG